The following is an entry in ClinVar:

NM_199420.4(POLQ):c.6326A>T (p.Lys2109Met)

Gene: POLQ (DNA polymerase theta; minus strand). Cytogenetic location: 3q13.33.
Variant type: single nucleotide variant.
Coding change: c.6326A>T on transcript NM_199420.4 (MANE Select); coding-DNA position 6326, A replaced by T.
Protein change: p.Lys2109Met; replaces lysine 2109 with methionine.
Molecular consequence: missense variant.
Genome position (GRCh38, 1-based): chr3:121,476,619, T>A on the plus strand (A>T on the coding strand, the complement: POLQ is on the minus strand). VCF-style: chr3-121476619-T-A. GRCh37 (hg19) VCF-style: chr3-121195466-T-A.
Other names: short protein forms K2109M.
Identifiers: ClinVar variation 3230101 (VCV003230101.1), dbSNP rs780514555, ClinGen allele CA2562510.

ClinVar aggregate classification (germline): Uncertain significance (1 of 4 stars; one submission).

Allele frequency attached by ClinVar (database versions not stated): ExAC 0.00001.

Submission:

Ambry Genetics
Classification: Uncertain significance. Last evaluated: 2024-01-17. Review status: criteria provided, single submitter. Criteria: Ambry Variant Classification Scheme 2023. Collection method: clinical testing. Allele origin: germline.
Comment: The p.K2109M variant (also known as c.6326A>T), located in coding exon 20 of the POLQ gene, results from an A to T substitution at nucleotide position 6326. The lysine at codon 2109 is replaced by methionine, an amino acid with similar properties. This amino acid position is conserved. In addition, the in silico prediction for this alteration is inconclusive. Based on the available evidence, the clinical significance of this alteration remains unclear.